The following is an entry in ClinVar:

NM_000052.7(ATP7A):c.2687A>G (p.Gln896Arg)

Gene: ATP7A (ATPase copper transporting alpha; plus strand). Cytogenetic location: Xq21.1.
Variant type: single nucleotide variant.
Coding change: c.2687A>G on transcript NM_000052.7 (MANE Select); coding-DNA position 2687, A replaced by G.
Protein change: p.Gln896Arg; replaces glutamine 896 with arginine.
Molecular consequence: missense variant.
Genome position (GRCh38, 1-based): chrX:78,020,304, A>G. VCF-style: chrX-78020304-A-G. GRCh37 (hg19) VCF-style: chrX-77275801-A-G.
Other names: c.2453A>G, p.Gln818Arg (NM_001282224.2); c.2687A>G (NM_000052.4); short protein forms Q818R, Q896R.
Identifiers: ClinVar variation 807777 (VCV000807777.46), dbSNP rs1324162252, ClinGen allele CA413602469.

ClinVar aggregate classification (germline): Uncertain significance. Review status: criteria provided, multiple submitters, no conflicts (2 of 4 stars). 3 submissions from 3 submitters: Uncertain significance (3). Last evaluated 2024-04-24.

Conditions:
Menkes kinky-hair syndrome (MNK). Also called: Copper transport disease; Menkes Disease; Classic Menkes Disease. Identifiers: Orphanet 565, MedGen C0022716, MONDO:0010651, OMIM 309400.
X-linked distal spinal muscular atrophy type 3. Also called: ATP7A-Related Distal Motor Neuropathy; NEURONOPATHY, DISTAL HEREDITARY MOTOR, X-LINKED; NEUROPATHY, DISTAL HEREDITARY MOTOR, X-LINKED; SPINAL MUSCULAR ATROPHY, DISTAL, X-LINKED RECESSIVE. Identifiers: Orphanet 139557, MedGen C1845359, MONDO:0010338, OMIM 300489.
Cutis laxa, X-linked (OHS). Also called: EDS IX; Occipital horn syndrome. Identifiers: Orphanet 198, MedGen C0268353, MONDO:0010572, OMIM 304150.

Allele frequency attached by ClinVar (database versions not stated): gnomAD 0.00001; gnomAD exomes 0.00001; TOPMed 0.00001.
gnomAD v4.1: 11 of 1,210,250 alleles (0.00091%); highest among the groups gnomAD compares: Middle Eastern, 0.046%; no homozygotes.

Submissions (3):

Labcorp Genetics (formerly Invitae), Labcorp
Classification: Uncertain significance for X-linked distal spinal muscular atrophy type 3; Cutis laxa, X-linked; Menkes kinky-hair syndrome. Last evaluated: 2024-04-24. Review status: criteria provided, single submitter. Criteria: Invitae Variant Classification Sherloc (09022015). Collection method: clinical testing. Allele origin: germline.
Comment: This sequence change replaces glutamine, which is neutral and polar, with arginine, which is basic and polar, at codon 896 of the ATP7A protein (p.Gln896Arg). This variant is not present in population databases (gnomAD no frequency). This variant has not been reported in the literature in individuals affected with ATP7A-related conditions. ClinVar contains an entry for this variant (Variation ID: 807777). Advanced modeling of protein sequence and biophysical properties (such as structural, functional, and spatial information, amino acid conservation, physicochemical variation, residue mobility, and thermodynamic stability) performed at Invitae indicates that this missense variant is not expected to disrupt ATP7A protein function with a negative predictive value of 95%. In summary, the available evidence is currently insufficient to determine the role of this variant in disease. Therefore, it has been classified as a Variant of Uncertain Significance.

GeneDx
Classification: Uncertain significance. Last evaluated: 2024-04-03. Review status: criteria provided, single submitter. Criteria: GeneDx Variant Classification Process June 2021. Collection method: clinical testing. Allele origin: germline. Affected: yes.
Comment: Has not been previously published as pathogenic or benign to our knowledge; Not observed at significant frequency in large population cohorts (gnomAD); In silico analysis supports that this missense variant does not alter protein structure/function

CeGaT Center for Human Genetics Tuebingen
Classification: Uncertain significance. Last evaluated: 2019-03-01. Review status: criteria provided, single submitter. Criteria: CeGaT Center For Human Genetics Tuebingen Variant Classification Criteria Version 2. Collection method: clinical testing. Allele origin: germline. Affected: yes. Observed: 1 variant allele.